The following is an entry in ClinVar:

NM_030973.4(MED25):c.170T>C (p.Phe57Ser)

Gene: MED25 (mediator complex subunit 25; plus strand). Cytogenetic location: 19q13.33.
Variant type: single nucleotide variant.
Coding change: c.170T>C on transcript NM_030973.4 (MANE Select); coding-DNA position 170, T replaced by C.
Protein change: p.Phe57Ser; replaces phenylalanine 57 with serine.
Molecular consequence: missense variant.
Genome position (GRCh38, 1-based): chr19:49,818,606, T>C. VCF-style: chr19-49818606-T-C. GRCh37 (hg19) VCF-style: chr19-50321863-T-C.
Other names: c.170T>C, p.Phe57Ser (NM_001378355.1); short protein forms F57S.
Identifiers: ClinVar variation 853370 (VCV000853370.9), dbSNP rs2073956256, ClinGen allele CA406908926.

ClinVar aggregate classification (germline): Uncertain significance (1 of 4 stars; one submission).

Conditions:
Charcot-Marie-Tooth disease type 2. Also called: Charcot-Marie-Tooth type 2. Identifiers: Orphanet 64746, MedGen C0270914, MONDO:0018993.

Submission:

Labcorp Genetics (formerly Invitae), Labcorp
Classification: Uncertain significance for Charcot-Marie-Tooth disease type 2. Last evaluated: 2022-07-06. Review status: criteria provided, single submitter. Criteria: Invitae Variant Classification Sherloc (09022015). Collection method: clinical testing. Allele origin: germline.
Comment: ClinVar contains an entry for this variant (Variation ID: 853370). In summary, the available evidence is currently insufficient to determine the role of this variant in disease. Therefore, it has been classified as a Variant of Uncertain Significance. Algorithms developed to predict the effect of missense changes on protein structure and function are either unavailable or do not agree on the potential impact of this missense change (SIFT: "Deleterious"; PolyPhen-2: "Benign"; Align-GVGD: "Class C0"). This variant has not been reported in the literature in individuals affected with MED25-related conditions. This variant is not present in population databases (gnomAD no frequency). This sequence change replaces phenylalanine, which is neutral and non-polar, with serine, which is neutral and polar, at codon 57 of the MED25 protein (p.Phe57Ser).